The following is an entry in ClinVar:

NM_021975.4(RELA):c.1336G>A (p.Asp446Asn)

Gene: RELA (RELA proto-oncogene, NF-kB subunit; minus strand). Cytogenetic location: 11q13.1.
Variant type: single nucleotide variant.
Coding change: c.1336G>A on transcript NM_021975.4 (MANE Select); coding-DNA position 1336, G replaced by A.
Protein change: p.Asp446Asn; replaces aspartic acid 446 with asparagine.
Molecular consequence: missense variant. On other transcripts: intron variant (1).
Genome position (GRCh38, 1-based): chr11:65,654,698, C>T on the plus strand (G>A on the coding strand, the complement: RELA is on the minus strand). VCF-style: chr11-65654698-C-T. GRCh37 (hg19) VCF-style: chr11-65422169-C-T.
Other names: c.1327G>A, p.Asp443Asn (NM_001145138.2); c.1129G>A, p.Asp377Asn (NM_001243984.2); c.1369G>A, p.Asp457Asn (NM_001404657.1); c.1309G>A, p.Asp437Asn (NM_001404658.1); c.1123G>A, p.Asp375Asn (NM_001404659.1); c.1018G>A, p.Asp340Asn (NM_001404660.1); c.955G>A, p.Asp319Asn (NM_001404661.1); c.1243G>A, p.Asp415Asn (NM_001404662.1, NM_001404663.1); and 1 more; short protein forms D319N, D377N, D443N, D446N, D457N, D340N, D375N, D437N.
Identifiers: ClinVar variation 4719388 (VCV004719388.1).

ClinVar aggregate classification (germline): Uncertain significance (1 of 4 stars; one submission).

Submission:

Labcorp Genetics (formerly Invitae), Labcorp
Classification: Uncertain significance. Last evaluated: 2025-05-11. Review status: criteria provided, single submitter. Criteria: Invitae Variant Classification Sherloc (09022015). Collection method: clinical testing. Allele origin: germline.
Comment: This sequence change replaces aspartic acid, which is acidic and polar, with asparagine, which is neutral and polar, at codon 446 of the RELA protein (p.Asp446Asn). This variant is not present in population databases (gnomAD no frequency). This variant has not been reported in the literature in individuals affected with RELA-related conditions. An algorithm developed to predict the effect of missense changes on protein structure and function (PolyPhen-2) suggests that this variant is likely to be disruptive. In summary, the available evidence is currently insufficient to determine the role of this variant in disease. Therefore, it has been classified as a Variant of Uncertain Significance.